The following is an entry in ClinVar:

NM_032043.3(BRIP1):c.598del (p.Glu200fs)

Gene: BRIP1 (BRCA1 interacting DNA helicase 1; minus strand). Cytogenetic location: 17q23.2.
Variant type: Deletion.
Coding change: c.598del on transcript NM_032043.3 (MANE Select); coding-DNA position 598, one base deleted (G; older notation c.598delG).
Protein change: p.Glu200fs; shifts the reading frame from glutamic acid 200.
Molecular consequence: frameshift variant.
Genome position (GRCh38, 1-based): chr17:61,847,130, C deleted on the plus strand (G on the coding strand, the reverse complement: BRIP1 is on the minus strand); the first of 2 consecutive C bases (chr17:61,847,130-61,847,131); deleting either gives the same sequence. VCF-style (leftmost placement, unchanged base first): chr17-61847129-TC-T. GRCh37 (hg19) VCF-style: chr17-59924490-TC-T.
Other names: short protein forms E200fs.
Identifiers: ClinVar variation 826099 (VCV000826099.4), dbSNP rs1603361587, ClinGen allele CA915950667.
Genomic context (GRCh38, chr17:61,847,129, plus strand): 5'-CTTTAAAACTGAACAATGGCATTAATACATACTTTCTGTGGCGAAAAGGAGTTTATCTTT[TC>T]CAGTGGAGAGTTGAGTTTTACAGTCTTTCCTGAATCAACTTTTGCATCCAAATTGTGTAC-3'

ClinVar aggregate classification (germline): Pathogenic (1 of 4 stars; one submission).

Conditions:
Hereditary cancer-predisposing syndrome. Also called: Neoplastic Syndromes, Hereditary; Tumor predisposition; Hereditary neoplastic syndrome; Hereditary Cancer Syndrome. Identifiers: Orphanet 140162, MedGen C0027672, MeSH D009386, MONDO:0015356.

Submission:

Ambry Genetics
Classification: Pathogenic for Hereditary cancer-predisposing syndrome. Last evaluated: 2022-06-01. Review status: criteria provided, single submitter. Criteria: Ambry Variant Classification Scheme 2023. Collection method: clinical testing. Allele origin: germline.
Comment: The c.598delG pathogenic mutation, located in coding exon 5 of the BRIP1 gene, results from a deletion of one nucleotide at nucleotide position 598, causing a translational frameshift with a predicted alternate stop codon (p.E200Kfs*3). This alteration is expected to result in loss of function by premature protein truncation or nonsense-mediated mRNA decay. As such, this alteration is interpreted as a disease-causing mutation.